The following is an entry in ClinVar:

ClinVar aggregate classification (germline): Likely pathogenic (1 of 4 stars; one submission).

Allele frequency attached by ClinVar (database versions not stated): gnomAD exomes below 0.00001.
gnomAD v4.1: 1 of 1,613,414 alleles (0.000062%); highest among the groups gnomAD compares: Non-Finnish European, 0.000085%; no homozygotes.

Submission:

Labcorp Genetics (formerly Invitae), Labcorp
Classification: Likely pathogenic. Last evaluated: 2024-12-02. Review status: criteria provided, single submitter. Criteria: Invitae Variant Classification Sherloc (09022015). Collection method: clinical testing. Allele origin: germline.
Comment: This sequence change affects an acceptor splice site in intron 5 of the GNAT1 gene. It is expected to disrupt RNA splicing. Variants that disrupt the donor or acceptor splice site typically lead to a loss of protein function (PMID: 16199547), and loss-of-function variants in GNAT1 are known to be pathogenic (PMID: 11095744, 31736247). This variant is not present in population databases (gnomAD no frequency). This variant has not been reported in the literature in individuals affected with GNAT1-related conditions. ClinVar contains an entry for this variant (Variation ID: 1931171). Algorithms developed to predict the effect of sequence changes on RNA splicing suggest that this variant may disrupt the consensus splice site. In summary, the currently available evidence indicates that the variant is pathogenic, but additional data are needed to prove that conclusively. Therefore, this variant has been classified as Likely Pathogenic.

Literature cited by the submitters: PubMed 16199547; PubMed 11095744; PubMed 31736247.

NM_144499.3(GNAT1):c.579-1G>A

Gene: GNAT1 (G protein subunit alpha transducin 1; plus strand). Cytogenetic location: 3p21.31.
Variant type: single nucleotide variant.
Coding change: c.579-1G>A on transcript NM_144499.3 (MANE Select); the canonical splice acceptor site of the intron before coding-DNA position 579, G replaced by A.
Molecular consequence: splice acceptor variant.
Genome position (GRCh38, 1-based): chr3:50,194,091, G>A. VCF-style: chr3-50194091-G-A. GRCh37 (hg19) VCF-style: chr3-50231524-G-A.
Other names: c.579-1G>A (NM_000172.4).
Identifiers: ClinVar variation 1931171 (VCV001931171.5), dbSNP rs1460825110, ClinGen allele CA352916799.